The following is an entry in ClinVar:

NM_015352.2(POFUT1):c.307A>G (p.Ile103Val)

Gene: POFUT1 (protein O-fucosyltransferase 1; plus strand). Cytogenetic location: 20q11.21.
Variant type: single nucleotide variant.
Coding change: c.307A>G on transcript NM_015352.2 (MANE Select); coding-DNA position 307, A replaced by G.
Protein change: p.Ile103Val; replaces isoleucine 103 with valine.
Molecular consequence: missense variant.
Genome position (GRCh38, 1-based): chr20:32,215,329, A>G. VCF-style: chr20-32215329-A-G. GRCh37 (hg19) VCF-style: chr20-30803132-A-G.
Other names: c.307A>G, p.Ile103Val (NM_172236.2); short protein forms I103V.
Identifiers: ClinVar variation 3633993 (VCV003633993.2).

ClinVar aggregate classification (germline): Uncertain significance (1 of 4 stars; one submission).

Conditions:
Dowling-Degos disease 2 (DDD2). Identifiers: Orphanet 79145, MedGen C3809147, MONDO:0014130, OMIM 615327.

gnomAD v4.1: 24 of 1,614,136 alleles (0.0015%); highest among the groups gnomAD compares: South Asian, 0.013%; no homozygotes.

Submission:

Labcorp Genetics (formerly Invitae), Labcorp
Classification: Uncertain significance for Dowling-Degos disease 2. Last evaluated: 2025-01-20. Review status: criteria provided, single submitter. Criteria: Invitae Variant Classification Sherloc (09022015). Collection method: clinical testing. Allele origin: germline.
Comment: This sequence change replaces isoleucine, which is neutral and non-polar, with valine, which is neutral and non-polar, at codon 103 of the POFUT1 protein (p.Ile103Val). This variant is present in population databases (rs759090331, gnomAD 0.01%). This variant has not been reported in the literature in individuals affected with POFUT1-related conditions. An algorithm developed to predict the effect of missense changes on protein structure and function outputs the following: PolyPhen-2: "Benign". The valine amino acid residue is found in multiple mammalian species, which suggests that this missense change does not adversely affect protein function. In summary, the available evidence is currently insufficient to determine the role of this variant in disease. Therefore, it has been classified as a Variant of Uncertain Significance.